The following is an entry in ClinVar:

ClinVar aggregate classification (germline): Uncertain significance. Review status: criteria provided, multiple submitters, no conflicts (2 of 4 stars). 4 submissions from 4 submitters: Uncertain significance (4). Last evaluated 2025-09-25.

Conditions:
Inborn genetic diseases. Identifiers: MedGen C0950123, MeSH D030342.

gnomAD v4.1: 22 of 1,613,818 alleles (0.0014%); highest among the groups gnomAD compares: African/African-American, 0.029%; no homozygotes.

Submissions (4):

Ambry Genetics
Classification: Uncertain significance for Inborn genetic diseases. Last evaluated: 2025-09-25. Review status: criteria provided, single submitter. Criteria: Ambry Variant Classification Scheme 2023. Collection method: clinical testing. Allele origin: germline.

Dasa
Classification: Uncertain significance. Last evaluated: 2025-07-19. Review status: criteria provided, single submitter. Criteria: DASA Assertion Criteria. Collection method: clinical testing. Allele origin: germline.
Comment: NM_003737.4(DCHS1):c.886C>G (p.Arg296Gly) is a missense variant that results in the substitution of arginine with glycine. This variant is rare in population databases. Computational prediction algorithms are consistent with a benign effect. The currently available literature and clinical evidence are not sufficient to establish a definitive association between this variant and the reported condition. Therefore, this variant is classified as a variant of uncertain significance.

Labcorp Genetics (formerly Invitae), Labcorp
Classification: Uncertain significance. Last evaluated: 2025-05-26. Review status: criteria provided, single submitter. Criteria: Invitae Variant Classification Sherloc (09022015). Collection method: clinical testing. Allele origin: germline.
Comment: This sequence change replaces arginine, which is basic and polar, with glycine, which is neutral and non-polar, at codon 296 of the DCHS1 protein (p.Arg296Gly). This variant is present in population databases (rs147260288, gnomAD 0.04%). This variant has not been reported in the literature in individuals affected with DCHS1-related conditions. ClinVar contains an entry for this variant (Variation ID: 1326537). Invitae Evidence Modeling of protein sequence and biophysical properties (such as structural, functional, and spatial information, amino acid conservation, physicochemical variation, residue mobility, and thermodynamic stability) indicates that this missense variant is not expected to disrupt DCHS1 protein function with a negative predictive value of 95%. In summary, the available evidence is currently insufficient to determine the role of this variant in disease. Therefore, it has been classified as a Variant of Uncertain Significance.

GeneDx
Classification: Uncertain significance. Last evaluated: 2021-05-28. Review status: criteria provided, single submitter. Criteria: GeneDx Variant Classification Process June 2021. Collection method: clinical testing. Allele origin: germline. Affected: yes.
Comment: In silico analysis supports that this missense variant has a deleterious effect on protein structure/function; Has not been previously published as pathogenic or benign to our knowledge; This variant is associated with the following publications: (PMID: 27535533)

NM_003737.4(DCHS1):c.886C>G (p.Arg296Gly)

Gene: DCHS1 (dachsous cadherin-related 1; minus strand). Cytogenetic location: 11p15.4.
Variant type: single nucleotide variant.
Coding change: c.886C>G on transcript NM_003737.4 (MANE Select); coding-DNA position 886, C replaced by G.
Protein change: p.Arg296Gly; replaces arginine 296 with glycine.
Molecular consequence: missense variant.
Genome position (GRCh38, 1-based): chr11:6,640,728, G>C on the plus strand (C>G on the coding strand, the complement: DCHS1 is on the minus strand). VCF-style: chr11-6640728-G-C. GRCh37 (hg19) VCF-style: chr11-6661959-G-C.
Other names: c.886C>G (NM_003737.2); short protein forms R296G.
Identifiers: ClinVar variation 1326537 (VCV001326537.6), dbSNP rs147260288, ClinGen allele CA5861072.
Genomic context (GRCh38, chr11:6,640,728, plus strand): 5'-ACTGCAGCAGCCCCGTGTGTGCGTCGATGGAGAAGGGTCCATCACCCTCGCTCTGCCTCC[G>C]GTTGATCTCGTAAGTCACAGCCCCATTGACACCAGCATCGGCATCAGATGCGAACACCTG-3'
Protein context (NP_003728.1, residues 286-306): VNGAVTYEIN[Arg296Gly]RQSEGDGPFS